The following is an entry in ClinVar:

ClinVar aggregate classification (germline): Uncertain significance. Review status: criteria provided, multiple submitters, no conflicts (2 of 4 stars). 3 submissions from 3 submitters: Uncertain significance (3). Last evaluated 2025-11-03.

Conditions:
Inborn genetic diseases. Identifiers: MedGen C0950123, MeSH D030342.
Charcot-Marie-Tooth disease dominant intermediate F. Identifiers: Orphanet 352670, MedGen C4749463, MONDO:0014074, OMIM 615185.

Allele frequency attached by ClinVar (database versions not stated): gnomAD exomes below 0.00001 and 0.00002; ExAC 0.00001; TOPMed 0.00001.
gnomAD v4.1: 33 of 1,612,706 alleles (0.002%); highest among the groups gnomAD compares: Non-Finnish European, 0.0027%; no homozygotes.

Submissions (3):

Ambry Genetics
Classification: Uncertain significance for Inborn genetic diseases. Last evaluated: 2025-11-03. Review status: criteria provided, single submitter. Criteria: Ambry Variant Classification Scheme 2023. Collection method: clinical testing. Allele origin: germline.

Labcorp Genetics (formerly Invitae), Labcorp
Classification: Uncertain significance for Charcot-Marie-Tooth disease dominant intermediate F. Last evaluated: 2024-10-21. Review status: criteria provided, single submitter. Criteria: Invitae Variant Classification Sherloc (09022015). Collection method: clinical testing. Allele origin: germline.
Comment: This sequence change replaces aspartic acid, which is acidic and polar, with alanine, which is neutral and non-polar, at codon 303 of the GNB4 protein (p.Asp303Ala). This variant is present in population databases (no rsID available, gnomAD 0.0009%). This variant has not been reported in the literature in individuals affected with GNB4-related conditions. ClinVar contains an entry for this variant (Variation ID: 575009). Invitae Evidence Modeling of protein sequence and biophysical properties (such as structural, functional, and spatial information, amino acid conservation, physicochemical variation, residue mobility, and thermodynamic stability) indicates that this missense variant is not expected to disrupt GNB4 protein function with a negative predictive value of 95%. In summary, the available evidence is currently insufficient to determine the role of this variant in disease. Therefore, it has been classified as a Variant of Uncertain Significance.

Revvity Omics, Revvity
Classification: Uncertain significance for Charcot-Marie-Tooth disease dominant intermediate F. Last evaluated: 2022-05-31. Review status: criteria provided, single submitter. Criteria: ACMG Guidelines, 2015. Collection method: clinical testing. Allele origin: germline.

NM_021629.4(GNB4):c.908A>C (p.Asp303Ala)

Gene: GNB4 (G protein subunit beta 4; minus strand). Cytogenetic location: 3q26.33.
Variant type: single nucleotide variant.
Coding change: c.908A>C on transcript NM_021629.4 (MANE Select); coding-DNA position 908, A replaced by C.
Protein change: p.Asp303Ala; replaces aspartic acid 303 with alanine.
Molecular consequence: missense variant.
Genome position (GRCh38, 1-based): chr3:179,405,198, T>G on the plus strand (A>C on the coding strand, the complement: GNB4 is on the minus strand). VCF-style: chr3-179405198-T-G. GRCh37 (hg19) VCF-style: chr3-179122986-T-G.
Other names: short protein forms D303A.
Identifiers: ClinVar variation 575009 (VCV000575009.14), dbSNP rs1020090528, ClinGen allele CA2712394.